The following is an entry in ClinVar:

NM_015072.5(TTLL5):c.3199A>G (p.Ile1067Val)

Gene: TTLL5 (tubulin tyrosine ligase like 5; plus strand). Cytogenetic location: 14q24.3.
Variant type: single nucleotide variant.
Coding change: c.3199A>G on transcript NM_015072.5 (MANE Select); coding-DNA position 3199, A replaced by G.
Protein change: p.Ile1067Val; replaces isoleucine 1067 with valine.
Molecular consequence: missense variant.
Genome position (GRCh38, 1-based): chr14:75,820,034, A>G. VCF-style: chr14-75820034-A-G. GRCh37 (hg19) VCF-style: chr14-76286377-A-G.
Other names: short protein forms I1067V.
Identifiers: ClinVar variation 1516388 (VCV001516388.8), dbSNP rs772308042, ClinGen allele CA7279953.
Genomic context (GRCh38, chr14:75,820,034, plus strand): 5'-AAAGTCAGGTTATTTCCCTCGCTTTATTTCTAGGTAACAAACCTGAATTTGGCAACTGGC[A>G]TCATAAACAGAAGCAGTGCTTCAGCTCCCCCAACCCTCCGACCCATCATCAGTCCTAGTG-3'
Protein context (NP_055887.3, residues 1057-1077): QVTNLNLATG[Ile1067Val]INRSSASAPP

ClinVar aggregate classification (germline): Uncertain significance (1 of 4 stars; one submission).

Allele frequency attached by ClinVar (database versions not stated): ExAC 0.00001; gnomAD exomes 0.00001; TOPMed 0.00001.

Submission:

Labcorp Genetics (formerly Invitae), Labcorp
Classification: Uncertain significance. Last evaluated: 2021-06-25. Review status: criteria provided, single submitter. Criteria: Invitae Variant Classification Sherloc (09022015). Collection method: clinical testing. Allele origin: germline.
Comment: This sequence change replaces isoleucine with valine at codon 1067 of the TTLL5 protein (p.Ile1067Val). The isoleucine residue is weakly conserved and there is a small physicochemical difference between isoleucine and valine. This variant is present in population databases (rs772308042, ExAC 0.009%). This variant has not been reported in the literature in individuals affected with TTLL5-related conditions. Algorithms developed to predict the effect of missense changes on protein structure and function output the following: SIFT: "Tolerated"; PolyPhen-2: "Benign"; Align-GVGD: "Class C0". The valine amino acid residue is found in multiple mammalian species, which suggests that this missense change does not adversely affect protein function. In summary, the available evidence is currently insufficient to determine the role of this variant in disease. Therefore, it has been classified as a Variant of Uncertain Significance.